The following is an entry in ClinVar:

ClinVar aggregate classification (germline): Uncertain significance. Review status: criteria provided, multiple submitters, no conflicts (2 of 4 stars). 3 submissions from 3 submitters: Uncertain significance (3). Last evaluated 2025-09-18.

Conditions:
Arrhythmogenic right ventricular dysplasia 8 (ARVD8). Also called: ARRHYTHMOGENIC RIGHT VENTRICULAR DYSPLASIA, FAMILIAL, 8; ARRHYTHMOGENIC RIGHT VENTRICULAR CARDIOMYOPATHY 8; Arrhythmogenic Right Ventricular Dysplasia/Cardiomyopathy 8. Identifiers: MedGen C1843896, MONDO:0011831, OMIM 607450.
Arrhythmogenic cardiomyopathy with wooly hair and keratoderma. Also called: Arrhythmogenic cardiomyopathy with woolly hair and keratoderma; PALMOPLANTAR KERATODERMA WITH LEFT VENTRICULAR CARDIOMYOPATHY AND WOOLLY HAIR; Carvajal syndrome; Dilated cardiomyopathy with woolly hair and keratoderma. Identifiers: Orphanet 65282, MedGen C1854063, MONDO:0011581, OMIM 605676.
Cardiomyopathy (CMYO). Also called: Cardiomyopathies. Identifiers: Orphanet 167848, MedGen C0878544, MONDO:0004994, HP:0001638. Inheritance: Various modes of inheritance.

Allele frequency attached by ClinVar (database versions not stated): gnomAD 0.00002; TOPMed 0.00002.
gnomAD v4.1: 3 of 1,614,112 alleles (0.00019%); highest among the groups gnomAD compares: Admixed American, 0.0017%; no homozygotes.

Submissions (3):

Color Diagnostics, LLC DBA Color Health
Classification: Uncertain significance for Cardiomyopathy. Last evaluated: 2025-09-18. Review status: criteria provided, single submitter. Criteria: ACMG Guidelines, 2015. Collection method: clinical testing. Allele origin: germline.
Comment: This missense variant replaces glutamine with arginine at codon 1670 of the DSP protein. Computational prediction suggests that this variant may not impact protein structure and function. To our knowledge, functional studies have not been reported for this variant. This variant has not been reported in individuals affected with DSP-related disorders in the literature. This variant has been identified in 1/31412 chromosomes in the general population by the Genome Aggregation Database (gnomAD). The available evidence is insufficient to determine the role of this variant in disease conclusively. Therefore, this variant is classified as a Variant of Uncertain Significance.

Labcorp Genetics (formerly Invitae), Labcorp
Classification: Uncertain significance for Arrhythmogenic cardiomyopathy with wooly hair and keratoderma; Arrhythmogenic right ventricular dysplasia 8. Last evaluated: 2024-10-16. Review status: criteria provided, single submitter. Criteria: Invitae Variant Classification Sherloc (09022015). Collection method: clinical testing. Allele origin: germline.
Comment: This sequence change replaces glutamine, which is neutral and polar, with arginine, which is basic and polar, at codon 1670 of the DSP protein (p.Gln1670Arg). This variant is present in population databases (no rsID available, gnomAD 0.007%). This variant has not been reported in the literature in individuals affected with DSP-related conditions. ClinVar contains an entry for this variant (Variation ID: 1429647). An algorithm developed to predict the effect of missense changes on protein structure and function (PolyPhen-2) suggests that this variant is likely to be disruptive. In summary, the available evidence is currently insufficient to determine the role of this variant in disease. Therefore, it has been classified as a Variant of Uncertain Significance.

All of Us Research Program, National Institutes of Health
Classification: Uncertain significance for Arrhythmogenic cardiomyopathy with wooly hair and keratoderma. Last evaluated: 2024-09-23. Review status: criteria provided, single submitter. Criteria: ACMG Guidelines, 2015. Collection method: clinical testing. Allele origin: germline. Inheritance: Autosomal dominant inheritance. Observed: 1 variant allele, 1 heterozygote.
Comment: This study involves interpretation of variants in research participants for the purpose of population health screening. Participant phenotype was not available at the time of variant classification. Additional details can be found in publication PMID: 35346344, PMCID: PMC8962531

NM_004415.4(DSP):c.5009A>G (p.Gln1670Arg)

Gene: DSP (desmoplakin; plus strand). Cytogenetic location: 6p24.3.
Variant type: single nucleotide variant.
Coding change: c.5009A>G on transcript NM_004415.4 (MANE Select); coding-DNA position 5009, A replaced by G.
Protein change: p.Gln1670Arg; replaces glutamine 1670 with arginine.
Molecular consequence: missense variant. On other transcripts: intron variant (2).
Genome position (GRCh38, 1-based): chr6:7,581,199, A>G. VCF-style: chr6-7581199-A-G. GRCh37 (hg19) VCF-style: chr6-7581432-A-G.
Other names: c.4050+959A>G (NM_001319034.2); c.3582+1427A>G (NM_001008844.3); short protein forms Q1670R.
Identifiers: ClinVar variation 1429647 (VCV001429647.8), dbSNP rs1052973336, ClinGen allele CA133970639.
Genomic context (GRCh38, chr6:7,581,199, plus strand): 5'-CCCAGGAAGAGCTGAGGAGGCTCTCTTCTGAGGTCGAGGCCCTGAGGCGGCAGTTACTCC[A>G]GGAACAGGAAAGTGTCAAACAAGCTCACTTGAGGAATGAGCATTTCCAGAAGGCGATAGA-3'
Protein context (NP_004406.2, residues 1660-1680): EVEALRRQLL[Gln1670Arg]EQESVKQAHL